The following is an entry in ClinVar:

ClinVar aggregate classification (germline): Benign. Review status: criteria provided, multiple submitters, no conflicts (2 of 4 stars). 2 submissions from 2 submitters: Benign (2). Last evaluated 2016-06-03.

Allele frequency attached by ClinVar (database versions not stated): 1000 Genomes Project 0.00200; 1000 Genomes Project 30x 0.00203; TOPMed 0.00328; ESP Exome Variant Server 0.00329; gnomAD 0.00366 and 0.00370; gnomAD exomes 0.00476 and 0.00501; ExAC 0.00563.
gnomAD v4.1: 7,520 of 1,552,716 alleles (0.48%); highest among the groups gnomAD compares: Middle Eastern, 0.74%; 25 homozygotes.

Submissions (2):

GeneDx
Classification: Benign. Last evaluated: 2016-06-03. Review status: criteria provided, single submitter. Criteria: GeneDx Variant Classification (06012015). Collection method: clinical testing. Allele origin: germline. Affected: yes.
Comment: This variant is considered likely benign or benign based on one or more of the following criteria: it is a conservative change, it occurs at a poorly conserved position in the protein, it is predicted to be benign by multiple in silico algorithms, and/or has population frequency not consistent with disease.

Breakthrough Genomics
Classification: Benign. Review status: criteria provided, single submitter. Criteria: ACMG Guidelines, 2015. Collection method: not provided. Allele origin: germline. Inheritance: Autosomal dominant inheritance. Affected: yes.

NM_004522.3(KIF5C):c.2023+17C>T

Gene: KIF5C (kinesin family member 5C; plus strand). Cytogenetic location: 2q23.1.
Variant type: single nucleotide variant.
Coding change: c.2023+17C>T on transcript NM_004522.3 (MANE Select); 17 bases into the intron after coding-DNA position 2023, C replaced by T.
Molecular consequence: intron variant.
Genome position (GRCh38, 1-based): chr2:148,994,555, C>T. VCF-style: chr2-148994555-C-T. GRCh37 (hg19) VCF-style: chr2-149851069-C-T.
Identifiers: ClinVar variation 383422 (VCV000383422.2), dbSNP rs187417929, ClinGen allele CA1901580.